The following is an entry in ClinVar:

NM_152281.3(GORAB):c.*47T>G

Gene: GORAB (golgin, RAB6 interacting; plus strand). Cytogenetic location: 1q24.2.
Variant type: single nucleotide variant.
Coding change: c.*47T>G on transcript NM_152281.3 (MANE Select); 47 bases downstream of the stop codon, T replaced by G.
Molecular consequence: 3 prime UTR variant. On other transcripts: non-coding transcript variant (1).
Genome position (GRCh38, 1-based): chr1:170,552,509, T>G. VCF-style: chr1-170552509-T-G. GRCh37 (hg19) VCF-style: chr1-170521650-T-G.
Other names: c.*47T>G (NM_001320252.2).
Identifiers: ClinVar variation 293663 (VCV000293663.9), dbSNP rs7552922, ClinGen allele CA1239315.

ClinVar aggregate classification (germline): Benign. Review status: criteria provided, multiple submitters, no conflicts (2 of 4 stars). 4 submissions from 4 submitters: Benign (4). Last evaluated 2023-04-11.

Conditions:
Geroderma osteodysplastica (GO). Also called: WALT DISNEY DWARFISM; Geroderma osteodysplasticum. Identifiers: Orphanet 2078, MedGen C0432255, MONDO:0009271, OMIM 231070.

Allele frequency attached by ClinVar (database versions not stated): gnomAD 0.15016; gnomAD exomes 0.15500; TOPMed 0.15734; ExAC 0.15973; ESP Exome Variant Server 0.16718; 1000 Genomes Project 30x 0.19691; 1000 Genomes Project 0.19708.
gnomAD v4.1: 215,268 of 1,484,282 alleles (15%); highest among the groups gnomAD compares: South Asian, 31%; 17,717 homozygotes.

Submissions (4):

Genome-Nilou Lab
Classification: Benign for Geroderma osteodysplastica. Last evaluated: 2023-04-11. Review status: criteria provided, single submitter. Criteria: ACMG Guidelines, 2015. Collection method: clinical testing. Allele origin: germline. Affected: no.

GeneDx
Classification: Benign. Last evaluated: 2021-05-12. Review status: criteria provided, single submitter. Criteria: GeneDx Variant Classification Process June 2021. Collection method: clinical testing. Allele origin: germline. Affected: yes.

Illumina Laboratory Services, Illumina
Classification: Benign for Geroderma osteodysplastica. Last evaluated: 2018-01-13. Review status: criteria provided, single submitter. Criteria: ICSL Variant Classification Criteria 13 December 2019. Collection method: clinical testing. Allele origin: germline.
Comment: This variant was observed in the ICSL laboratory as part of a predisposition screen in an ostensibly healthy population. It had not been previously curated by ICSL or reported in the Human Gene Mutation Database (HGMD: prior to June 1st, 2018), and was therefore a candidate for classification through an automated scoring system. Utilizing variant allele frequency, disease prevalence and penetrance estimates, and inheritance mode, an automated score was calculated to assess if this variant is too frequent to cause the disease. Based on the score and internal cut-off values, a variant classified as benign is not then subjected to further curation. The score for this variant resulted in a classification of benign for this disease.

Breakthrough Genomics
Classification: Benign. Review status: criteria provided, single submitter. Criteria: ACMG Guidelines, 2015. Collection method: not provided. Allele origin: germline. Inheritance: Autosomal recessive inheritance. Affected: yes.